The following is an entry in ClinVar:

ClinVar aggregate classification (germline): Benign/Likely benign. Review status: criteria provided, multiple submitters, no conflicts (2 of 4 stars). 4 submissions from 4 submitters: Benign (1); Likely benign (2). 1 of the submissions does not count toward it. Last evaluated 2024-12-02.

Conditions:
WDR81-related disorder. Also called: WDR81-related condition.
Inborn genetic diseases. Identifiers: MedGen C0950123, MeSH D030342.

Allele frequency attached by ClinVar (database versions not stated): gnomAD exomes 0.00026 and 0.00038; ExAC 0.00049; 1000 Genomes Project 0.00100; 1000 Genomes Project 30x 0.00109; gnomAD 0.00177 and 0.00186; TOPMed 0.00179; ESP Exome Variant Server 0.00215.

Submissions (4):

Ambry Genetics
Classification: Likely benign for Inborn genetic diseases. Last evaluated: 2024-12-02. Review status: criteria provided, single submitter. Criteria: Ambry Variant Classification Scheme 2023. Collection method: clinical testing. Allele origin: germline.

CeGaT Center for Human Genetics Tuebingen
Classification: Likely benign. Last evaluated: 2022-06-01. Review status: criteria provided, single submitter. Criteria: CeGaT Center For Human Genetics Tuebingen Variant Classification Criteria Version 2. Collection method: clinical testing. Allele origin: germline. Affected: yes. Observed: 2 variant alleles.
Comment: WDR81: BS2

Labcorp Genetics (formerly Invitae), Labcorp
Classification: Benign. Last evaluated: 2019-12-31. Review status: criteria provided, single submitter. Criteria: Invitae Variant Classification Sherloc (09022015). Collection method: clinical testing. Allele origin: germline.

PreventionGenetics, part of Exact Sciences
Classification: Likely benign for WDR81-related condition. Last evaluated: 2022-03-29. Review status: no assertion criteria provided. Collection method: clinical testing. Allele origin: germline. Not counted in ClinVar's aggregate classification.
Comment: This variant is classified as likely benign based on ACMG/AMP sequence variant interpretation guidelines (Richards et al. 2015 PMID: 25741868, with internal and published modifications).

NM_001163809.2(WDR81):c.3832G>A (p.Gly1278Ser)

Gene: WDR81 (WD repeat domain 81; plus strand). Cytogenetic location: 17p13.3.
Variant type: single nucleotide variant.
Coding change: c.3832G>A on transcript NM_001163809.2 (MANE Select); coding-DNA position 3832, G replaced by A.
Protein change: p.Gly1278Ser; replaces glycine 1278 with serine.
Molecular consequence: missense variant.
Genome position (GRCh38, 1-based): chr17:1,730,811, G>A. VCF-style: chr17-1730811-G-A. GRCh37 (hg19) VCF-style: chr17-1634105-G-A.
Other names: c.223G>A, p.Gly75Ser (NM_001163673.2); c.151G>A, p.Gly51Ser (NM_001163811.2); c.679G>A, p.Gly227Ser (NM_152348.4); short protein forms G75S, G1278S, G227S, G51S.
Identifiers: ClinVar variation 730142 (VCV000730142.37), dbSNP rs142199236, ClinGen allele CA8273369.